The following is an entry in ClinVar:

ClinVar aggregate classification (germline): Benign. Review status: criteria provided, multiple submitters, no conflicts (2 of 4 stars). 8 submissions from 8 submitters: Benign (8). Last evaluated 2026-02-04.

Conditions:
Hermansky-Pudlak syndrome 4 (HPS4). Identifiers: Orphanet 231500, Orphanet 79430, MedGen C3484357, MONDO:0013556, OMIM 614073.

Allele frequency attached by ClinVar (database versions not stated): TOPMed 0.34862; 1000 Genomes Project 30x 0.34963; gnomAD 0.35365 and 0.35881; 1000 Genomes Project 0.35423; gnomAD exomes 0.37177; ESP Exome Variant Server 0.37806; ExAC 0.38292.

Submissions (8):

Labcorp Genetics (formerly Invitae), Labcorp
Classification: Benign. Last evaluated: 2026-02-04. Review status: criteria provided, single submitter. Criteria: Invitae Variant Classification Sherloc (09022015). Collection method: clinical testing. Allele origin: germline.

Blueprint Genetics
Classification: Benign. Last evaluated: 2024-11-28. Review status: criteria provided, single submitter. Criteria: ACMG Guidelines, 2015. Collection method: clinical testing. Allele origin: germline.

Mayo Clinic Laboratories, Mayo Clinic
Classification: Benign. Last evaluated: 2022-09-29. Review status: criteria provided, single submitter. Criteria: ACMG Guidelines, 2015. Collection method: clinical testing. Allele origin: germline. Observed: 364 variant alleles.

Genome-Nilou Lab
Classification: Benign for Hermansky-Pudlak syndrome 4. Last evaluated: 2021-08-10. Review status: criteria provided, single submitter. Criteria: ACMG Guidelines, 2015. Collection method: clinical testing. Allele origin: germline. Affected: no.

GeneDx
Classification: Benign. Last evaluated: 2018-11-12. Review status: criteria provided, single submitter. Criteria: GeneDx Variant Classification Process June 2021. Collection method: clinical testing. Allele origin: germline. Affected: yes.

Laboratory for Molecular Medicine, Mass General Brigham Personalized Medicine
Classification: Benign. Last evaluated: 2013-02-21. Review status: criteria provided, single submitter. Criteria: LMM Criteria. Collection method: clinical testing. Allele origin: germline. Observed: 53 variant alleles.
Comment: Leu443Val in exon 11 of HPS4: This variant is not expected to have clinical sign ificance because it has been identified in 41.1% (3536/8600) of European America n chromosomes from a broad population by the NHLBI Exome Sequencing Project (dbSNP rs2014410).

Breakthrough Genomics
Classification: Benign. Review status: criteria provided, single submitter. Criteria: ACMG Guidelines, 2015. Collection method: not provided. Allele origin: germline. Inheritance: Autosomal recessive inheritance. Affected: yes.

PreventionGenetics, part of Exact Sciences
Classification: Benign. Review status: criteria provided, single submitter. Criteria: ACMG Guidelines, 2015. Collection method: clinical testing. Allele origin: germline.

NM_022081.6(HPS4):c.1327C>G (p.Leu443Val)

Gene: HPS4 (HPS4 biogenesis of lysosomal organelles complex 3 subunit 2; minus strand). Cytogenetic location: 22q12.1.
Variant type: single nucleotide variant.
Coding change: c.1327C>G on transcript NM_022081.6 (MANE Select); coding-DNA position 1327, C replaced by G.
Protein change: p.Leu443Val; replaces leucine 443 with valine.
Molecular consequence: missense variant. On other transcripts: non-coding transcript variant (8).
Genome position (GRCh38, 1-based): chr22:26,464,303, G>C on the plus strand (C>G on the coding strand, the complement: HPS4 is on the minus strand). VCF-style: chr22-26464303-G-C. GRCh37 (hg19) VCF-style: chr22-26860269-G-C.
Other names: c.1327C>G, p.Leu443Val (NM_001349896.1, NM_001349898.2, NM_001349899.2 and 4 more transcripts); c.1381C>G, p.Leu461Val (NM_001349900.2, NM_001349901.1); c.1312C>G, p.Leu438Val (NM_152841.2); short protein forms L443V, L438V, L461V.
Identifiers: ClinVar variation 163673 (VCV000163673.23), dbSNP rs2014410, ClinGen allele CA176313.
Genomic context (GRCh38, chr22:26,464,303, plus strand): 5'-TGGGGAGAGGGTCTGCTCTGGGAATGGGGGCTTGGCTGCTATGGCCAGGATGGTCTTCGA[G>C]CTGCTCTTGGGCTCCATGCTGGGTCAGCATCTCAGGAGCAGAGGGAGGGCGCAAGCTGCT-3'
Protein context (NP_071364.4, residues 433-453): MLTQHGAQEQ[Leu443Val]EDHPGHSSQA